The following is an entry in ClinVar:

ClinVar aggregate classification (germline): Pathogenic/Likely pathogenic. Review status: criteria provided, multiple submitters, no conflicts (2 of 4 stars). 3 submissions from 3 submitters: Pathogenic (1); Likely pathogenic (2). Last evaluated 2024-04-24.

Conditions:
Hereditary cancer-predisposing syndrome. Also called: Neoplastic Syndromes, Hereditary; Tumor predisposition; Hereditary neoplastic syndrome; Hereditary Cancer Syndrome. Identifiers: Orphanet 140162, MedGen C0027672, MeSH D009386, MONDO:0015356.

Submissions (3):

Labcorp Genetics (formerly Invitae), Labcorp
Classification: Likely pathogenic. Last evaluated: 2024-04-24. Review status: criteria provided, single submitter. Criteria: Invitae Variant Classification Sherloc (09022015). Collection method: clinical testing. Allele origin: germline.
Comment: This sequence change replaces glutamine, which is neutral and polar, with arginine, which is basic and polar, at codon 142 of the FH protein (p.Gln142Arg). This variant is not present in population databases (gnomAD no frequency). This missense change has been observed in individuals with hereditary leiomyomatosis and renal cell carcinoma (PMID: 11865300, 24526232). ClinVar contains an entry for this variant (Variation ID: 824730). Advanced modeling of protein sequence and biophysical properties (such as structural, functional, and spatial information, amino acid conservation, physicochemical variation, residue mobility, and thermodynamic stability) performed at Invitae indicates that this missense variant is expected to disrupt FH protein function with a positive predictive value of 95%. Experimental studies are conflicting or provide insufficient evidence to determine the effect of this variant on FH function (PMID: 11865300). RNA analysis performed to evaluate the impact of this missense change on mRNA splicing indicates it does not significantly alter splicing (Invitae). In summary, the currently available evidence indicates that the variant is pathogenic, but additional data are needed to prove that conclusively. Therefore, this variant has been classified as Likely Pathogenic.

Quest Diagnostics Nichols Institute San Juan Capistrano
Classification: Likely pathogenic. Last evaluated: 2024-04-10. Review status: criteria provided, single submitter. Criteria: Quest Diagnostics criteria. Collection method: clinical testing. Allele origin: unknown.
Comment: The FH c.425A>G (p.Gln142Arg) variant has been reported in the published literature in individuals and families with multiple cutaneous and uterine leiomyomatosis and renal cell carcinoma (PMIDs: 24526232 (2014), 12761039 (2003), 11865300 (2002)). Experimental studies report this variant results in decreased FH enzyme activity, however further evidence is needed to understand the impact on protein function (PMIDs: 16237213 (2005), 11865300 (2002)). This variant has not been reported in large, multi-ethnic general populations (Genome Aggregation Database). Analysis of this variant using bioinformatics tools for the prediction of the effect of amino acid changes on protein structure and function yielded predictions that this variant is damaging. Based on the available information, this variant is classified as likely pathogenic.

Ambry Genetics
Classification: Pathogenic for Hereditary cancer-predisposing syndrome. Last evaluated: 2022-01-26. Review status: criteria provided, single submitter. Criteria: Ambry Variant Classification Scheme 2023. Collection method: clinical testing. Allele origin: germline.
Comment: The p.Q142R pathogenic mutation (also known as c.425A>G), located in coding exon 4 of the FH gene, results from an A to G substitution at nucleotide position 425. The glutamine at codon 142 is replaced by arginine, an amino acid with highly similar properties. This alteration has been observed in multiple individuals with a personal and/or family history that is consistent with FH-related disease (Ambry internal data; Tomlinson IP et al. Nat Genet 2002 Apr;30(4):406-10; Alam NA et al. J Mol Diagn, 2005 Oct;7:437-43; Alam NA et al. Hum. Mol. Genet., 2003 Jun;12:1241-52; Wong MH et al. Fam. Cancer, 2014 Jun;13:281-9). Based on internal structural assessment, this alteration is predicted to disrupt the N-terminal domain of the FH gene (Ambry internal data; Ajalla Aleixo MA et al. FEBS J 2019 05;286(10):1925-1940). This amino acid position is highly conserved in available vertebrate species. In addition, this alteration is predicted to be deleterious by in silico analysis. This variant is considered to be rare based on population cohorts in the Genome Aggregation Database (gnomAD). Based on the supporting evidence, this alteration is interpreted as a disease-causing mutation.

Literature cited by the submitters: PubMed 11865300 (cited by 3 submitters); PubMed 24526232 (cited by 3 submitters); PubMed 12761039 (cited by Quest Diagnostics Nichols Institute San Juan Capistrano and Ambry Genetics); PubMed 16237213 (cited by Quest Diagnostics Nichols Institute San Juan Capistrano and Ambry Genetics); PubMed 30761759 (cited by Ambry Genetics).

NM_000143.4(FH):c.425A>G (p.Gln142Arg)

Gene: FH (fumarate hydratase; minus strand). Cytogenetic location: 1q43.
Variant type: single nucleotide variant.
Coding change: c.425A>G on transcript NM_000143.4 (MANE Select); coding-DNA position 425, A replaced by G.
Protein change: p.Gln142Arg; replaces glutamine 142 with arginine.
Molecular consequence: missense variant.
Genome position (GRCh38, 1-based): chr1:241,512,097, T>C on the plus strand (A>G on the coding strand, the complement: FH is on the minus strand). VCF-style: chr1-241512097-T-C. GRCh37 (hg19) VCF-style: chr1-241675397-T-C.
Other names: short protein forms Q142R.
Identifiers: ClinVar variation 824730 (VCV000824730.10), dbSNP rs1573885503, ClinGen allele CA345440131.